The following is an entry in ClinVar:

ClinVar aggregate classification (germline): Uncertain significance (1 of 4 stars; one submission).

Submission:

GeneDx
Classification: Uncertain significance. Last evaluated: 2023-03-21. Review status: criteria provided, single submitter. Criteria: GeneDx Variant Classification Process June 2021. Collection method: clinical testing. Allele origin: germline. Affected: yes.
Comment: Frameshift variant predicted to result in protein truncation as the last 259 amino acids are replaced with 10 different amino acids, although loss-of-function variants have not been reported downstream of this position in the protein; Not observed at significant frequency in large population cohorts (gnomAD); Has not been previously published as pathogenic or benign to our knowledge

NM_003031.4(SIAH1):c.70dup (p.Ala24fs)

Genes: LONP2 (lon peptidase 2, peroxisomal; plus strand), SIAH1 (siah E3 ubiquitin protein ligase 1; minus strand). Cytogenetic location: 16q12.1.
Variant type: Duplication.
Coding change: c.70dup on transcript NM_003031.4 (MANE Select); coding-DNA position 70, one base duplicated (G; older notation c.70dupG).
Protein change: p.Ala24fs; shifts the reading frame from alanine 24.
Molecular consequence: frameshift variant. On other transcripts: 3 prime UTR variant (1).
Genome position (GRCh38, 1-based): chr16:48,362,359, C duplicated on the plus strand (G on the coding strand, the reverse complement: SIAH1 is on the minus strand). VCF-style (leftmost placement, unchanged base first): chr16-48362358-G-GC. GRCh37 (hg19) VCF-style: chr16-48396269-G-GC.
Other names: c.163dup, p.Ala55fs (NM_001006610.2); c.*763dup (NM_001348078.2); short protein forms A24fs, A55fs.
Identifiers: ClinVar variation 2580574 (VCV002580574.1), dbSNP rs2544514566, ClinGen allele CA2573335137.
Genomic context (GRCh38, chr16:48,362,358, plus strand): 5'-CAGACTGGACACTCAAAAAGACTCGCCAAGTCATTGTTGGATGCAGTTGTGCCAGTCAGG[G>GC]CAGGCACCCTCTGGGATGGTGGACACTTCGAGGTACCGGTAGGTAATGCTGTAGCAGTCT-3'